The following is an entry in ClinVar:

NM_170606.3(KMT2C):c.12917C>G (p.Pro4306Arg)

Gene: KMT2C (lysine methyltransferase 2C; minus strand). Cytogenetic location: 7q36.1.
Variant type: single nucleotide variant.
Coding change: c.12917C>G on transcript NM_170606.3 (MANE Select); coding-DNA position 12917, C replaced by G.
Protein change: p.Pro4306Arg; replaces proline 4306 with arginine.
Molecular consequence: missense variant.
Genome position (GRCh38, 1-based): chr7:152,149,010, G>C on the plus strand (C>G on the coding strand, the complement: KMT2C is on the minus strand). VCF-style: chr7-152149010-G-C. GRCh37 (hg19) VCF-style: chr7-151846095-G-C.
Other names: short protein forms P4306R.
Identifiers: ClinVar variation 3381250 (VCV003381250.2).

ClinVar aggregate classification (germline): Uncertain significance (1 of 4 stars; one submission).

Conditions:
Kleefstra syndrome 2 (KLEFS2). Identifiers: MedGen C4540395, MONDO:0054701, OMIM 617768.

Submission:

Servicio de Genética Del Instituto Nacional de Salud Del Niño, Ministerio de Salud
Classification: Uncertain significance for Kleefstra syndrome 2. Last evaluated: 2024-11-18. Review status: criteria provided, single submitter. Criteria: ACMG Guidelines, 2015. Collection method: clinical testing. Allele origin: germline. Inheritance: Autosomal dominant inheritance.
Comment: The variant NM_170606.3:c.12917C>G results in the substitution of proline with arginine at position 4306 in the protein. Proline is a unique amino acid due to its rigid structure, and its substitution with arginine, a larger and positively charged amino acid, could potentially impact the protein's structure or function. However, the clinical significance of this variant is unclear. Based on PM2 (low frequency or absent in population databases), this variant is classified as uncertain significance (VUS).